The following is an entry in ClinVar:

NM_001142800.2(EYS):c.2993G>A (p.Gly998Asp)

Gene: EYS (eyes shut homolog; minus strand). Cytogenetic location: 6q12.
Variant type: single nucleotide variant.
Coding change: c.2993G>A on transcript NM_001142800.2 (MANE Select); coding-DNA position 2993, G replaced by A.
Protein change: p.Gly998Asp; replaces glycine 998 with aspartic acid.
Molecular consequence: missense variant.
Genome position (GRCh38, 1-based): chr6:64,822,822, C>T on the plus strand (G>A on the coding strand, the complement: EYS is on the minus strand). VCF-style: chr6-64822822-C-T. GRCh37 (hg19) VCF-style: chr6-65532715-C-T.
Other names: c.2993G>A, p.Gly998Asp (NM_001292009.2); short protein forms G998D.
Identifiers: ClinVar variation 1398794 (VCV001398794.5), dbSNP rs578061514, ClinGen allele CA140369242.

ClinVar aggregate classification (germline): Uncertain significance (1 of 4 stars; one submission).

Allele frequency attached by ClinVar (database versions not stated): gnomAD exomes 0.00001; 1000 Genomes Project 30x 0.00016; 1000 Genomes Project 0.00020.
gnomAD v4.1: 7 of 1,547,286 alleles (0.00045%); highest among the groups gnomAD compares: Middle Eastern, 0.017%; no homozygotes.

Submission:

Labcorp Genetics (formerly Invitae), Labcorp
Classification: Uncertain significance. Last evaluated: 2021-09-01. Review status: criteria provided, single submitter. Criteria: Invitae Variant Classification Sherloc (09022015). Collection method: clinical testing. Allele origin: germline.
Comment: This sequence change replaces glycine with aspartic acid at codon 998 of the EYS protein (p.Gly998Asp). The glycine residue is highly conserved and there is a moderate physicochemical difference between glycine and aspartic acid. This variant is not present in population databases (ExAC no frequency). This variant has not been reported in the literature in individuals affected with EYS-related conditions. Algorithms developed to predict the effect of missense changes on protein structure and function (SIFT, PolyPhen-2, Align-GVGD) all suggest that this variant is likely to be disruptive. In summary, the available evidence is currently insufficient to determine the role of this variant in disease. Therefore, it has been classified as a Variant of Uncertain Significance.